The following is an entry in ClinVar:

NM_007289.4(MME):c.1861T>C (p.Cys621Arg)

Gene: MME (membrane metalloendopeptidase; plus strand). Cytogenetic location: 3q25.2.
Variant type: single nucleotide variant.
Coding change: c.1861T>C on transcript NM_007289.4 (MANE Select); coding-DNA position 1861, T replaced by C.
Protein change: p.Cys621Arg; replaces cysteine 621 with arginine.
Molecular consequence: missense variant.
Genome position (GRCh38, 1-based): chr3:155,168,572, T>C. VCF-style: chr3-155168572-T-C. GRCh37 (hg19) VCF-style: chr3-154886361-T-C.
Other names: c.1861T>C, p.Cys621Arg (NM_000902.5, NM_001354642.2, NM_001354643.1 and 2 more transcripts); short protein forms C621R.
Identifiers: ClinVar variation 242839 (VCV000242839.23), dbSNP rs879253752, ClinGen allele CA10584007.

ClinVar aggregate classification (germline): Likely pathogenic. Review status: criteria provided, single submitter (1 of 4 stars). 3 submissions from 2 submitters: Likely pathogenic (2). 1 of the submissions does not count toward it. Last evaluated 2024-04-01.

Conditions:
Charcot-Marie-Tooth disease axonal type 2T. Identifiers: Orphanet 443950, MedGen C4015635, OMIM 617017, MONDO:0014866.
Peripheral neuropathy. Also called: Neuropathy. Identifiers: MedGen C0031117, MONDO:0005244, HP:0009830.

Submissions (3):

Kariminejad - Najmabadi Pathology & Genetics Center
Classification: Likely pathogenic for Charcot-Marie-Tooth disease axonal type 2T. Last evaluated: 2024-04-01. Review status: criteria provided, single submitter. Criteria: ACMG Guidelines, 2015. Collection method: clinical testing. Allele origin: germline. Inheritance: Autosomal recessive inheritance. Affected: yes. Observed: 2 variant alleles.
Comment: PP3_Moderate,PP5_Moderate,PM2_Moderate

Kariminejad - Najmabadi Pathology & Genetics Center
Classification: Likely pathogenic for Peripheral neuropathy. Last evaluated: 2021-07-10. Review status: criteria provided, single submitter. Criteria: ACMG Guidelines, 2015. Collection method: clinical testing. Allele origin: germline. Affected: yes.

OMIM
Classification: Pathogenic for CHARCOT-MARIE-TOOTH DISEASE, AXONAL, TYPE 2T. Last evaluated: 2016-07-06. Review status: no assertion criteria provided. Collection method: literature only. Allele origin: germline. Not counted in ClinVar's aggregate classification.

Literature cited by the submitters: PubMed 26991897 (cited by OMIM).